The following is an entry in ClinVar:

ClinVar aggregate classification (germline): Conflicting classifications of pathogenicity. Review status: criteria provided, conflicting classifications (1 of 4 stars). 4 submissions from 4 submitters: Uncertain significance (3); Likely benign (1). Last evaluated 2026-01-26.

Conditions:
Hereditary cancer-predisposing syndrome. Also called: Hereditary Cancer Syndrome; Neoplastic Syndromes, Hereditary; Tumor predisposition; Hereditary neoplastic syndrome. Identifiers: Orphanet 140162, MedGen C0027672, MeSH D009386, MONDO:0015356.
Breast-ovarian cancer, familial, susceptibility to, 4. Identifiers: Orphanet 145, MedGen C3280345, MONDO:0013669, OMIM 614291.

Allele frequency attached by ClinVar (database versions not stated): gnomAD exomes below 0.00001; TOPMed below 0.00001; gnomAD 0.00003.

Submissions (4):

Labcorp Genetics (formerly Invitae), Labcorp
Classification: Uncertain significance for Breast-ovarian cancer, familial, susceptibility to, 4. Last evaluated: 2026-01-26. Review status: criteria provided, single submitter. Criteria: Invitae Variant Classification Sherloc (09022015). Collection method: clinical testing. Allele origin: germline.
Comment: This sequence change replaces phenylalanine, which is neutral and non-polar, with leucine, which is neutral and non-polar, at codon 305 of the RAD51D protein (p.Phe305Leu). This variant is present in population databases (no rsID available, gnomAD 0.007%). This variant has not been reported in the literature in individuals affected with RAD51D-related conditions. ClinVar contains an entry for this variant (Variation ID: 480950). Invitae Evidence Modeling of protein sequence and biophysical properties (such as structural, functional, and spatial information, amino acid conservation, physicochemical variation, residue mobility, and thermodynamic stability) indicates that this missense variant is not expected to disrupt RAD51D protein function with a negative predictive value of 80%. In summary, the available evidence is currently insufficient to determine the role of this variant in disease. Therefore, it has been classified as a Variant of Uncertain Significance.

Color Diagnostics, LLC DBA Color Health
Classification: Likely benign for Hereditary cancer-predisposing syndrome. Last evaluated: 2024-09-19. Review status: criteria provided, single submitter. Criteria: ACMG Guidelines, 2015. Collection method: clinical testing. Allele origin: germline.

GeneDx
Classification: Uncertain significance. Last evaluated: 2024-04-01. Review status: criteria provided, single submitter. Criteria: GeneDx Variant Classification Process June 2021. Collection method: clinical testing. Allele origin: germline. Affected: yes.
Comment: Not observed at significant frequency in large population cohorts (gnomAD); In silico analysis supports that this missense variant does not alter protein structure/function; Has not been previously published as pathogenic or benign to our knowledge; This variant is associated with the following publications: (PMID: 14704354, 19327148, 21111057)

Ambry Genetics
Classification: Uncertain significance for Hereditary cancer-predisposing syndrome. Last evaluated: 2023-10-19. Review status: criteria provided, single submitter. Criteria: Ambry Variant Classification Scheme 2023. Collection method: clinical testing. Allele origin: germline.
Comment: The p.F305L variant (also known as c.915C>G), located in coding exon 10 of the RAD51D gene, results from a C to G substitution at nucleotide position 915. The phenylalanine at codon 305 is replaced by leucine, an amino acid with highly similar properties. This amino acid position is poorly conserved in available vertebrate species. In addition, this alteration is predicted to be tolerated by in silico analysis. Since supporting evidence is limited at this time, the clinical significance of this alteration remains unclear.

NM_002878.4(RAD51D):c.915C>G (p.Phe305Leu)

Genes: RAD51D (RAD51 paralog D; minus strand), RAD51L3-RFFL (RAD51L3-RFFL readthrough; minus strand). Cytogenetic location: 17q12.
Variant type: single nucleotide variant.
Coding change: c.915C>G on transcript NM_002878.4 (MANE Select); coding-DNA position 915, C replaced by G.
Protein change: p.Phe305Leu; replaces phenylalanine 305 with leucine.
Molecular consequence: missense variant. On other transcripts: non-coding transcript variant (2).
Genome position (GRCh38, 1-based): chr17:35,101,025, G>C on the plus strand (C>G on the coding strand, the complement: RAD51D is on the minus strand). VCF-style: chr17-35101025-G-C. GRCh37 (hg19) VCF-style: chr17-33428044-G-C.
Other names: c.975C>G, p.Phe325Leu (NM_001142571.2); c.579C>G, p.Phe193Leu (NM_133629.3); short protein forms F305L, F193L, F325L.
Identifiers: ClinVar variation 480950 (VCV000480950.17), dbSNP rs1316114457, ClinGen allele CA399086171.